The following is an entry in ClinVar:

ClinVar aggregate classification (germline): Uncertain significance (1 of 4 stars; one submission).

Submission:

Labcorp Genetics (formerly Invitae), Labcorp
Classification: Uncertain significance. Last evaluated: 2025-07-13. Review status: criteria provided, single submitter. Criteria: Invitae Variant Classification Sherloc (09022015). Collection method: clinical testing. Allele origin: germline.
Comment: This sequence change creates a premature translational stop signal (p.Tyr126Valfs*3) in the POLR3F gene. It is expected to result in an absent or disrupted protein product. However, the current clinical and genetic evidence is not sufficient to establish whether loss-of-function variants in POLR3F cause disease. This variant is not present in population databases (gnomAD no frequency). This variant has not been reported in the literature in individuals affected with POLR3F-related conditions. ClinVar contains an entry for this variant (Variation ID: 2135440). Algorithms developed to predict the effect of sequence changes on RNA splicing suggest that this variant may disrupt the consensus splice site. In summary, the available evidence is currently insufficient to determine the role of this variant in disease. Therefore, it has been classified as a Variant of Uncertain Significance.

NM_006466.4(POLR3F):c.498dup (p.Tyr167fs)

Gene: POLR3F (RNA polymerase III subunit F; plus strand). Cytogenetic location: 20p11.23.
Variant type: Duplication.
Coding change: c.498dup on transcript NM_006466.4 (MANE Select); coding-DNA position 498, one base duplicated (G; older notation c.498dupG).
Protein change: p.Tyr167fs; shifts the reading frame from tyrosine 167.
Molecular consequence: frameshift variant. On other transcripts: non-coding transcript variant (1).
Genome position (GRCh38, 1-based): chr20:18,480,106, G duplicated; the last of 2 consecutive G bases (chr20:18,480,105-18,480,106); duplicating either gives the same sequence. VCF-style (leftmost placement, unchanged base first): chr20-18480104-T-TG. GRCh37 (hg19) VCF-style: chr20-18460748-T-TG.
Other names: c.375dup, p.Tyr126fs (NM_001282526.2); short protein forms Y167fs, Y126fs.
Identifiers: ClinVar variation 2135440 (VCV002135440.4), dbSNP rs2059802302, ClinGen allele CA2353535597.